The following is an entry in ClinVar:

ClinVar aggregate classification (germline): Pathogenic (1 of 4 stars; one submission).

Conditions:
Methylmalonic aciduria and homocystinuria type cblF. Also called: COBALAMIN F DISEASE; COBALAMIN, DEFECT IN LYSOSOMAL RELEASE OF; METHYLMALONIC ACIDEMIA AND HOMOCYSTINURIA, cblF TYPE; METHYLMALONIC ACIDURIA DUE TO VITAMIN B12-RELEASE DEFECT; VITAMIN B12 LYSOSOMAL RELEASE DEFECT; VITAMIN B12 STORAGE DISEASE. Identifiers: Orphanet 79284, MedGen C1848578, MONDO:0010183, OMIM 277380.

Allele frequency attached by ClinVar (database versions not stated): gnomAD 0.00001.
gnomAD v4.1: 8 of 1,610,564 alleles (0.0005%); highest among the groups gnomAD compares: Non-Finnish European, 0.00068%; no homozygotes.

Submission:

Labcorp Genetics (formerly Invitae), Labcorp
Classification: Pathogenic for Methylmalonic aciduria and homocystinuria type cblF. Last evaluated: 2023-03-07. Review status: criteria provided, single submitter. Criteria: Invitae Variant Classification Sherloc (09022015). Collection method: clinical testing. Allele origin: germline.
Comment: This sequence change creates a premature translational stop signal (p.Lys126*) in the LMBRD1 gene. It is expected to result in an absent or disrupted protein product. Loss-of-function variants in LMBRD1 are known to be pathogenic (PMID: 19136951, 21303734). This variant is not present in population databases (gnomAD no frequency). This variant has not been reported in the literature in individuals affected with LMBRD1-related conditions. For these reasons, this variant has been classified as Pathogenic.

Literature cited by the submitters: PubMed 19136951; PubMed 21303734.

NM_018368.4(LMBRD1):c.376A>T (p.Lys126Ter)

Gene: LMBRD1 (LMBR1 domain containing 1; minus strand). Cytogenetic location: 6q13.
Variant type: single nucleotide variant.
Coding change: c.376A>T on transcript NM_018368.4 (MANE Select); coding-DNA position 376, A replaced by T.
Protein change: p.Lys126Ter; replaces lysine 126 with a stop codon.
Molecular consequence: nonsense.
Genome position (GRCh38, 1-based): chr6:69,752,288, T>A on the plus strand (A>T on the coding strand, the complement: LMBRD1 is on the minus strand). VCF-style: chr6-69752288-T-A. GRCh37 (hg19) VCF-style: chr6-70462180-T-A.
Other names: c.157A>T, p.Lys53Ter (NM_001363722.2, NM_001367271.1, NM_001367272.1); short protein forms K53*, K126*.
Identifiers: ClinVar variation 2726203 (VCV002726203.3), dbSNP rs1170149970, ClinGen allele CA364802054.